The following is an entry in ClinVar:

ClinVar aggregate classification (germline): Likely benign. Review status: criteria provided, single submitter (1 of 4 stars). 2 submissions from 2 submitters: Likely benign (1). 1 of the submissions does not count toward it. Last evaluated 2025-11-28.

Conditions:
RNASEH2A-related disorder. Also called: RNASEH2A-related condition.
Aicardi-Goutieres syndrome 4. Identifiers: Orphanet 51, MedGen C1835912, MONDO:0012472, OMIM 610333.

Allele frequency attached by ClinVar (database versions not stated): gnomAD exomes 0.00001; gnomAD 0.00004 and 0.00005; TOPMed 0.00005.
gnomAD v4.1: 22 of 1,568,534 alleles (0.0014%); highest among the groups gnomAD compares: African/African-American, 0.02%; 3 homozygotes.

Submissions (2):

Labcorp Genetics (formerly Invitae), Labcorp
Classification: Likely benign for Aicardi-Goutieres syndrome 4. Last evaluated: 2025-11-28. Review status: criteria provided, single submitter. Criteria: Invitae Variant Classification Sherloc (09022015). Collection method: clinical testing. Allele origin: germline.

PreventionGenetics, part of Exact Sciences
Classification: Likely benign for RNASEH2A-related condition. Last evaluated: 2023-10-20. Review status: no assertion criteria provided. Collection method: clinical testing. Allele origin: germline. Not counted in ClinVar's aggregate classification.
Comment: This variant is classified as likely benign based on ACMG/AMP sequence variant interpretation guidelines (Richards et al. 2015 PMID: 25741868, with internal and published modifications).

NM_006397.3(RNASEH2A):c.46C>T (p.Leu16=)

Genes: RNASEH2A (ribonuclease H2 subunit A; plus strand), LOC117038795 (CRISPRi-FlowFISH-validated PRDX2 regulatory element 4; plus strand). Cytogenetic location: 19p13.13.
Variant type: single nucleotide variant.
Coding change: c.46C>T on transcript NM_006397.3 (MANE Select); coding-DNA position 46, C replaced by T.
Protein change: p.Leu16=; no amino-acid change (leucine 16 retained).
Molecular consequence: synonymous variant.
Genome position (GRCh38, 1-based): chr19:12,806,719, C>T. VCF-style: chr19-12806719-C-T. GRCh37 (hg19) VCF-style: chr19-12917533-C-T.
Identifiers: ClinVar variation 745302 (VCV000745302.11), dbSNP rs540611823, ClinGen allele CA305492115.